The following is an entry in ClinVar:

NM_001999.4(FBN2):c.4571A>G (p.Asp1524Gly)

Gene: FBN2 (fibrillin 2; minus strand). Cytogenetic location: 5q23.3.
Variant type: single nucleotide variant.
Coding change: c.4571A>G on transcript NM_001999.4 (MANE Select); coding-DNA position 4571, A replaced by G.
Protein change: p.Asp1524Gly; replaces aspartic acid 1524 with glycine.
Molecular consequence: missense variant.
Genome position (GRCh38, 1-based): chr5:128,318,902, T>C on the plus strand (A>G on the coding strand, the complement: FBN2 is on the minus strand). VCF-style: chr5-128318902-T-C. GRCh37 (hg19) VCF-style: chr5-127654594-T-C.
Other names: short protein forms D1524G.
Identifiers: ClinVar variation 2822110 (VCV002822110.3), dbSNP rs2479759677, ClinGen allele CA360750236.
Genomic context (GRCh38, chr5:128,318,902, plus strand): 5'-TGAATCAGAACACAACTTAGCTGGTAACTGACCATACCTGTACAGTTCCCTCCTGTTCTG[T>C]CCAATTCATAACCATCATCGCAGATGCAATGAAACATTCCAGGCAGGTTATTACATGTTC-3'
Protein context (NP_001990.2, residues 1514-1534): HCICDDGYEL[Asp1524Gly]RTGGNCTDID

ClinVar aggregate classification (germline): Uncertain significance (1 of 4 stars; one submission).

Conditions:
Congenital contractural arachnodactyly (CCA). Also called: Beals-Hecht syndrome; BEALS SYNDROME; Arthrogryposis, distal, type 9. Identifiers: Orphanet 115, MedGen C0220668, MONDO:0007363, OMIM 121050.

Allele frequency attached by ClinVar (database versions not stated): gnomAD exomes below 0.00001.
gnomAD v4.1: 2 of 1,613,566 alleles (0.00012%); highest among the groups gnomAD compares: Non-Finnish European, 0.00017%; no homozygotes.

Submission:

Labcorp Genetics (formerly Invitae), Labcorp
Classification: Uncertain significance for Congenital contractural arachnodactyly. Last evaluated: 2023-02-26. Review status: criteria provided, single submitter. Criteria: Invitae Variant Classification Sherloc (09022015). Collection method: clinical testing. Allele origin: germline.
Comment: In summary, the available evidence is currently insufficient to determine the role of this variant in disease. Therefore, it has been classified as a Variant of Uncertain Significance. Advanced modeling of protein sequence and biophysical properties (such as structural, functional, and spatial information, amino acid conservation, physicochemical variation, residue mobility, and thermodynamic stability) performed at Invitae indicates that this missense variant is expected to disrupt FBN2 protein function. This variant has not been reported in the literature in individuals affected with FBN2-related conditions. This variant is not present in population databases (gnomAD no frequency). This sequence change replaces aspartic acid, which is acidic and polar, with glycine, which is neutral and non-polar, at codon 1524 of the FBN2 protein (p.Asp1524Gly).